The following is an entry in ClinVar:

NM_000814.6(GABRB3):c.883G>T (p.Glu295Ter)

Gene: GABRB3 (gamma-aminobutyric acid type A receptor subunit beta3; minus strand). Cytogenetic location: 15q12.
Variant type: single nucleotide variant.
Coding change: c.883G>T on transcript NM_000814.6 (MANE Select); coding-DNA position 883, G replaced by T.
Protein change: p.Glu295Ter; replaces glutamic acid 295 with a stop codon.
Molecular consequence: nonsense.
Genome position (GRCh38, 1-based): chr15:26,561,129, C>A on the plus strand (G>T on the coding strand, the complement: GABRB3 is on the minus strand). VCF-style: chr15-26561129-C-A. GRCh37 (hg19) VCF-style: chr15-26806276-C-A.
Other names: c.628G>T, p.Glu210Ter (NM_001191320.2, NM_001278631.2); c.670G>T, p.Glu224Ter (NM_001191321.3); c.883G>T, p.Glu295Ter (NM_021912.5); short protein forms E210*, E224*, E295*.
Identifiers: ClinVar variation 1684759 (VCV001684759.2), dbSNP rs990827657, ClinGen allele CA391462253.

ClinVar aggregate classification (germline): Uncertain significance. Review status: criteria provided, multiple submitters, no conflicts (2 of 4 stars). 2 submissions from 2 submitters: Uncertain significance (2). Last evaluated 2022-11-29.

Conditions:
Developmental and epileptic encephalopathy, 43 (DEE43). Also called: Epileptic encephalopathy, early infantile, 43. Identifiers: MedGen C4310712, MONDO:0014921, OMIM 617113.

Submissions (2):

Laboratorio de Genetica e Diagnostico Molecular, Hospital Israelita Albert Einstein
Classification: Uncertain significance for Developmental and epileptic encephalopathy, 43. Last evaluated: 2022-11-29. Review status: criteria provided, single submitter. Criteria: ACMG Guidelines, 2015. Collection method: clinical testing. Allele origin: germline. Affected: yes. Observed: 1 variant allele.
Comment: ACMG classification criteria: PVS1 moderated, PM2 moderated

Mendelics
Classification: Uncertain significance. Last evaluated: 2022-05-04. Review status: criteria provided, single submitter. Criteria: Mendelics Assertion Criteria 2019. Collection method: clinical testing. Allele origin: germline.